The following is an entry in ClinVar:

ClinVar aggregate classification (germline): Likely benign (1 of 4 stars; one submission).

Conditions:
RPS6KA3-related disorder. Also called: RPS6KA3-related condition.

Submission:

PreventionGenetics, part of Exact Sciences
Classification: Likely benign for RPS6KA3-related condition. Last evaluated: 2026-01-26. Review status: criteria provided, single submitter. Criteria: ACMG Guidelines, 2015. Collection method: clinical testing. Allele origin: germline.
Comment: This variant is classified as likely benign based on ACMG/AMP sequence variant interpretation guidelines (Richards et al. 2015 PMID: 25741868, with internal and published modifications).

NM_004586.3(RPS6KA3):c.*4G>T

Gene: RPS6KA3 (ribosomal protein S6 kinase A3; minus strand). Cytogenetic location: Xp22.12.
Variant type: single nucleotide variant.
Coding change: c.*4G>T on transcript NM_004586.3 (MANE Select); 4 bases downstream of the stop codon, G replaced by T.
Molecular consequence: 3 prime UTR variant.
Genome position (GRCh38, 1-based): chrX:20,155,394, C>A on the plus strand (G>T on the coding strand, the complement: RPS6KA3 is on the minus strand). VCF-style: chrX-20155394-C-A. GRCh37 (hg19) VCF-style: chrX-20173512-C-A.
Other names: c.*4G>T (NM_001438340.1).
Identifiers: ClinVar variation 4993520 (VCV004993520.1).